The following is an entry in ClinVar:

ClinVar aggregate classification (germline): Conflicting classifications of pathogenicity. Review status: criteria provided, conflicting classifications (1 of 4 stars). 3 submissions from 3 submitters: Uncertain significance (2); Likely benign (1). Last evaluated 2023-03-23.

Conditions:
Hereditary cancer-predisposing syndrome. Also called: Neoplastic Syndromes, Hereditary; Tumor predisposition; Hereditary neoplastic syndrome; Hereditary Cancer Syndrome. Identifiers: Orphanet 140162, MedGen C0027672, MeSH D009386, MONDO:0015356.

Submissions (3):

University of Washington Department of Laboratory Medicine, University of Washington
Classification: Likely benign for Hereditary cancer-predisposing syndrome. Last evaluated: 2023-03-23. Review status: criteria provided, single submitter. Criteria: Dines et al. (Genet Med. 2020). Collection method: curation. Allele origin: germline.
Comment: Missense variant in a coldspot region where missense variants are very unlikely to be pathogenic (PMID:31911673).

BRCA2 exon 11 coldspot. Reclassification based on statistical prior probability.

Genetic Services Laboratory, University of Chicago
Classification: Uncertain significance. Last evaluated: 2021-01-25. Review status: criteria provided, single submitter. Criteria: ACMG Guidelines, 2015. Collection method: clinical testing. Allele origin: germline. Affected: no.
Comment: DNA sequence analysis of the BRCA2 gene demonstrated two sequence changes. The first sequence change, c.4478A>C in exon 11, results in an amino acid change, p.Glu1493Ala. This sequence change is absent from known population databases (gnomAD). The p.Glu1493Ala change affects a moderately conserved amino acid residue located in a domain of the BRCA2 protein that is known to be functional. The p.Glu1493Ala substitution appears to be benign using several in-silico pathogenicity prediction tools (SIFT, PolyPhen2, Align GVGD, REVEL). This sequence change does not appear to have been previously described in patients with BRCA2-related cancers. Due to the lack of sufficient evidences, studies, the clinical significance of the p.Glu1493Ala change remains unknown at this time.

Ambry Genetics
Classification: Uncertain significance for Hereditary cancer-predisposing syndrome. Last evaluated: 2018-08-23. Review status: criteria provided, single submitter. Criteria: Ambry Variant Classification Scheme 2023. Collection method: clinical testing. Allele origin: germline.
Comment: The p.E1493A variant (also known as c.4478A>C), located in coding exon 10 of the BRCA2 gene, results from an A to C substitution at nucleotide position 4478. The glutamic acid at codon 1493 is replaced by alanine, an amino acid with dissimilar properties. This amino acid position is not well conserved in available vertebrate species. In addition, this alteration is predicted to be tolerated by in silico analysis. Since supporting evidence is limited at this time, the clinical significance of this alteration remains unclear.

NM_000059.4(BRCA2):c.4478A>C (p.Glu1493Ala)

Gene: BRCA2 (BRCA2 DNA repair associated; plus strand). Cytogenetic location: 13q13.1.
Variant type: single nucleotide variant.
Coding change: c.4478A>C on transcript NM_000059.4 (MANE Select); coding-DNA position 4478, A replaced by C.
Protein change: p.Glu1493Ala; replaces glutamic acid 1493 with alanine.
Molecular consequence: missense variant.
Genome position (GRCh38, 1-based): chr13:32,338,833, A>C. VCF-style: chr13-32338833-A-C. GRCh37 (hg19) VCF-style: chr13-32912970-A-C.
Other names: short protein forms E1493A.
Identifiers: ClinVar variation 824916 (VCV000824916.9), dbSNP rs80358679, ClinGen allele CA387781491.
Genomic context (GRCh38, chr13:32,338,833, plus strand): 5'-ACAAAATGGACATTCTAAGTTATGAGGAAACAGACATAGTTAAACACAAAATACTGAAAG[A>C]AAGTGTCCCAGTTGGTACTGGAAATCAACTAGTGACCTTCCAGGGACAACCCGAACGTGA-3'
Protein context (NP_000050.3, residues 1483-1503): TDIVKHKILK[Glu1493Ala]SVPVGTGNQL